The following is an entry in ClinVar:

ClinVar aggregate classification (germline): Uncertain significance. Review status: criteria provided, multiple submitters, no conflicts (2 of 4 stars). 2 submissions from 2 submitters: Uncertain significance (2). Last evaluated 2025-07-12.

Conditions:
Inborn genetic diseases. Identifiers: MedGen C0950123, MeSH D030342.

Allele frequency attached by ClinVar (database versions not stated): gnomAD exomes 0.00001 and 0.00003; ExAC 0.00004; gnomAD 0.00012; TOPMed 0.00017; 1000 Genomes Project 0.00020; 1000 Genomes Project 30x 0.00031.
gnomAD v4.1: 32 of 1,613,882 alleles (0.002%); highest among the groups gnomAD compares: African/African-American, 0.025%; no homozygotes.

Submissions (2):

Ambry Genetics
Classification: Uncertain significance for Inborn genetic diseases. Last evaluated: 2025-07-12. Review status: criteria provided, single submitter. Criteria: Ambry Variant Classification Scheme 2023. Collection method: clinical testing. Allele origin: germline.

Labcorp Genetics (formerly Invitae), Labcorp
Classification: Uncertain significance. Last evaluated: 2022-08-23. Review status: criteria provided, single submitter. Criteria: Invitae Variant Classification Sherloc (09022015). Collection method: clinical testing. Allele origin: germline.
Comment: In summary, the available evidence is currently insufficient to determine the role of this variant in disease. Therefore, it has been classified as a Variant of Uncertain Significance. Algorithms developed to predict the effect of missense changes on protein structure and function (SIFT, PolyPhen-2, Align-GVGD) all suggest that this variant is likely to be disruptive. This variant has not been reported in the literature in individuals affected with COL13A1-related conditions. ClinVar contains an entry for this variant (Variation ID: 1484738). This variant is present in population databases (rs546546241, gnomAD 0.04%). This sequence change replaces isoleucine, which is neutral and non-polar, with threonine, which is neutral and polar, at codon 487 of the COL13A1 protein (p.Ile487Thr).

NM_001368882.1(COL13A1):c.1493T>C (p.Ile498Thr)

Gene: COL13A1 (collagen type XIII alpha 1 chain; plus strand). Cytogenetic location: 10q22.1.
Variant type: single nucleotide variant.
Coding change: c.1493T>C on transcript NM_001368882.1 (MANE Select); coding-DNA position 1493, T replaced by C.
Protein change: p.Ile498Thr; replaces isoleucine 498 with threonine.
Molecular consequence: missense variant.
Genome position (GRCh38, 1-based): chr10:69,930,050, T>C. VCF-style: chr10-69930050-T-C. GRCh37 (hg19) VCF-style: chr10-71689806-T-C.
Other names: c.1460T>C, p.Ile487Thr (NM_001130103.2); c.1430T>C, p.Ile477Thr (NM_001320951.2, NM_001368884.1); c.1394T>C, p.Ile465Thr (NM_080801.4, NM_080802.4, NM_001368885.1); c.1307T>C, p.Ile436Thr (NM_080805.4); c.1460T>C (NM_001130103.1); c.1403T>C, p.Ile468Thr (NM_080800.4, NM_001368895.1); c.1457T>C, p.Ile486Thr (NM_001368883.1); c.830T>C, p.Ile277Thr (NM_001368886.1); and 2 more; short protein forms I436T, I477T, I487T, I498T, I430T, I439T, I468T, I486T.
Identifiers: ClinVar variation 1484738 (VCV001484738.7), dbSNP rs546546241, ClinGen allele CA5534800.